The following is an entry in ClinVar:

ClinVar aggregate classification (germline): Pathogenic, low penetrance (1 of 4 stars; one submission).

Conditions:
Atypical hemolytic-uremic syndrome. Identifiers: Orphanet 2134, MedGen C2931788, MONDO:0016244.

Submission:

Genomenon, Inc
Classification: Pathogenic, low penetrance for Atypical hemolytic-uremic syndrome. Last evaluated: 2025-10-02. Review status: criteria provided, single submitter. Criteria: Genomenon Sequence Variant Interpretation Standards - Updated. Collection method: curation. Allele origin: germline. Affected: yes.
Comment: CFH c.1873+1G>A is a canonical splice variant located in the donor splice region of intron 12. It is predicted to affect mRNA splicing, leading to a deleterious effect on the CFH protein. This variant has been observed in at least one proband affected with atypical hemolytic-uremic syndrome (PMID:32954088). It is absent or not present at a significant frequency in gnomAD. In conclusion, we classify CFH c.1873+1G>A as a pathogenic, low penetrance variant.

Literature cited by the submitters: PubMed 32954088.

NM_000186.4(CFH):c.1873+1G>A

Gene: CFH (complement factor H; plus strand). Cytogenetic location: 1q31.3.
Variant type: single nucleotide variant.
Coding change: c.1873+1G>A on transcript NM_000186.4 (MANE Select); the canonical splice donor site of the intron after coding-DNA position 1873, G replaced by A.
Molecular consequence: splice donor variant.
Genome position (GRCh38, 1-based): chr1:196,725,298, G>A. VCF-style: chr1-196725298-G-A. GRCh37 (hg19) VCF-style: chr1-196694428-G-A.
Identifiers: ClinVar variation 4291431 (VCV004291431.1).
Genomic context (GRCh38, chr1:196,725,298, plus strand): 5'-GACCTAATTCCGTTCAGTGCTACCACTTTGGATTGTCTCCTGACCTCCCAATATGTAAAG[G>A]TGAATGCTTATCTTACAATTGCTGAAATAAGAATTAGAACTTTGAATACCAACTTTTTTC-3'